The following is an entry in ClinVar:

NM_001129.5(AEBP1):c.3406G>A (p.Glu1136Lys)

Gene: AEBP1 (AE binding protein 1; plus strand). Cytogenetic location: 7p13.
Variant type: single nucleotide variant.
Coding change: c.3406G>A on transcript NM_001129.5 (MANE Select); coding-DNA position 3406, G replaced by A.
Protein change: p.Glu1136Lys; replaces glutamic acid 1136 with lysine.
Molecular consequence: missense variant.
Genome position (GRCh38, 1-based): chr7:44,114,190, G>A. VCF-style: chr7-44114190-G-A. GRCh37 (hg19) VCF-style: chr7-44153789-G-A.
Other names: p.Glu1136Lys; short protein forms E1136K.
Identifiers: ClinVar variation 2177454 (VCV002177454.8), dbSNP rs756589094, ClinGen allele CA4238495.

ClinVar aggregate classification (germline): Conflicting classifications of pathogenicity. Review status: criteria provided, conflicting classifications (1 of 4 stars). 3 submissions from 3 submitters: Uncertain significance (2); Likely benign (1). Last evaluated 2026-01-01.

Allele frequency attached by ClinVar (database versions not stated): ExAC 0.00002; TOPMed 0.00002; gnomAD exomes 0.00006.
gnomAD v4.1: 80 of 1,614,098 alleles (0.005%); highest among the groups gnomAD compares: Middle Eastern, 0.016%; 1 homozygote.

Submissions (3):

CeGaT Center for Human Genetics Tuebingen
Classification: Likely benign. Last evaluated: 2026-01-01. Review status: criteria provided, single submitter. Criteria: CeGaT Center For Human Genetics Tuebingen Variant Classification Criteria Version 2. Collection method: clinical testing. Allele origin: germline. Affected: yes. Observed: 1 variant allele.
Comment: AEBP1: BS2

Mayo Clinic Laboratories, Mayo Clinic
Classification: Uncertain significance. Last evaluated: 2025-07-21. Review status: criteria provided, single submitter. Criteria: ACMG Guidelines, 2015. Collection method: clinical testing. Allele origin: germline. Observed: 2 variant alleles.
Comment: BP4

Labcorp Genetics (formerly Invitae), Labcorp
Classification: Uncertain significance. Last evaluated: 2023-12-11. Review status: criteria provided, single submitter. Criteria: Invitae Variant Classification Sherloc (09022015). Collection method: clinical testing. Allele origin: germline.
Comment: This sequence change replaces glutamic acid, which is acidic and polar, with lysine, which is basic and polar, at codon 1136 of the AEBP1 protein (p.Glu1136Lys). This variant is present in population databases (rs756589094, gnomAD 0.006%). This variant has not been reported in the literature in individuals affected with AEBP1-related conditions. ClinVar contains an entry for this variant (Variation ID: 2177454). Algorithms developed to predict the effect of missense changes on protein structure and function output the following: SIFT: "Not Available"; PolyPhen-2: "Not Available"; Align-GVGD: "Not Available". The lysine amino acid residue is found in multiple mammalian species, which suggests that this missense change does not adversely affect protein function. In summary, the available evidence is currently insufficient to determine the role of this variant in disease. Therefore, it has been classified as a Variant of Uncertain Significance.